The following is an entry in ClinVar:

ClinVar aggregate classification (germline): Uncertain significance (1 of 4 stars; one submission).

Conditions:
Early-onset Parkinson disease 20. Also called: PARKINSON DISEASE 20, AUTOSOMAL RECESSIVE EARLY-ONSET. Identifiers: Orphanet 391411, MedGen C3809824, MONDO:0014233, OMIM 615530.
Developmental and epileptic encephalopathy, 53. Also called: Epileptic encephalopathy, early infantile, 53. Identifiers: MedGen C4479313, MONDO:0033362, OMIM 617389.

Submission:

Labcorp Genetics (formerly Invitae), Labcorp
Classification: Uncertain significance for Developmental and epileptic encephalopathy, 53; Early-onset Parkinson disease 20. Last evaluated: 2017-08-17. Review status: criteria provided, single submitter. Criteria: Invitae Variant Classification Sherloc (09022015). Collection method: clinical testing. Allele origin: germline.
Comment: In summary, the available evidence is currently insufficient to determine the role of this variant in disease. Therefore, it has been classified as a Variant of Uncertain Significance. This variant has not been reported in the literature in individuals with SYNJ1-related disease. This variant is not present in population databases (ExAC no frequency). This sequence change results in a premature translational stop signal in the SYNJ1 gene (p.Gln1316Profs*19). While this is not anticipated to result in nonsense mediated decay, it is expected to disrupt the last 297 amino acids of the SYNJ1 protein.

NM_203446.3(SYNJ1):c.3829dup (p.Gln1277fs)

Gene: SYNJ1 (synaptojanin 1; minus strand). Cytogenetic location: 21q22.11.
Variant type: Duplication.
Coding change: c.3829dup on transcript NM_203446.3 (MANE Select); coding-DNA position 3829, one base duplicated (C; older notation c.3829dupC).
Protein change: p.Gln1277fs; shifts the reading frame from glutamine 1277.
Molecular consequence: frameshift variant.
Genome position (GRCh38, 1-based): chr21:32,638,994, G duplicated on the plus strand (C on the coding strand, the reverse complement: SYNJ1 is on the minus strand); the first of 5 consecutive G bases (chr21:32,638,994-32,638,998); duplicating any one gives the same sequence. VCF-style (leftmost placement, unchanged base first): chr21-32638993-T-TG. GRCh37 (hg19) VCF-style: chr21-34011303-T-TG.
Other names: c.3946dupC (NM_003895.3); c.3777dup, p.Gln1261Profs (NM_001160302.2); c.3688dup, p.Gln1230fs (NM_001160306.2); c.3942dup, p.Gln1316Profs (NM_003895.4); short protein forms Q1230fs, Q1316fs, Q1261fs, Q1277fs.
Identifiers: ClinVar variation 544563 (VCV000544563.7), dbSNP rs1555888341, ClinGen allele CA658799407.
Genomic context (GRCh38, chr21:32,638,993, plus strand): 5'-GGCAAGCTATGGGATGACCTGCTTCGAGGTGGTGGTTGTGGTGGGGTTTCCAAATTTGGC[T>TG]GGGGGCCAGACTGAGGCATAGGTGCTGCCACAGGGACAAGAGGCTCTTGCAACCTTTGAG-3'